The following is an entry in ClinVar:

ClinVar aggregate classification (germline): Likely benign (1 of 4 stars; one submission).

Allele frequency attached by ClinVar (database versions not stated): gnomAD exomes below 0.00001.
gnomAD v4.1: 1 of 1,596,934 alleles (0.000063%); highest among the groups gnomAD compares: Non-Finnish European, 0.000085%; no homozygotes.

Submission:

GeneDx
Classification: Likely benign. Last evaluated: 2017-08-25. Review status: criteria provided, single submitter. Criteria: GeneDx Variant Classification (06012015). Collection method: clinical testing. Allele origin: germline. Affected: yes.
Comment: This variant is considered likely benign or benign based on one or more of the following criteria: it is a conservative change, it occurs at a poorly conserved position in the protein, it is predicted to be benign by multiple in silico algorithms, and/or has population frequency not consistent with disease.

NM_000053.4(ATP7B):c.1041C>T (p.Gly347=)

Gene: ATP7B (ATPase copper transporting beta; minus strand). Cytogenetic location: 13q14.3.
Variant type: single nucleotide variant.
Coding change: c.1041C>T on transcript NM_000053.4 (MANE Select); coding-DNA position 1041, C replaced by T.
Protein change: p.Gly347=; no amino-acid change (glycine 347 retained).
Molecular consequence: synonymous variant. On other transcripts: intron variant (1).
Genome position (GRCh38, 1-based): chr13:51,974,179, G>A on the plus strand (C>T on the coding strand, the complement: ATP7B is on the minus strand). VCF-style: chr13-51974179-G-A. GRCh37 (hg19) VCF-style: chr13-52548315-G-A.
Other names: c.1041C>T, p.Gly347= (NM_001005918.3, NM_001330578.2, NM_001330579.2); c.803-95C>T (NM_001243182.2).
Identifiers: ClinVar variation 511375 (VCV000511375.1), dbSNP rs1453094974, ClinGen allele CA484024810.